The following is an entry in ClinVar:

ClinVar aggregate classification (germline): Uncertain significance (1 of 4 stars; one submission).

Submission:

GeneDx
Classification: Uncertain significance. Last evaluated: 2025-01-08. Review status: criteria provided, single submitter. Criteria: GeneDx Variant Classification Process June 2021. Collection method: clinical testing. Allele origin: germline. Affected: yes.
Comment: Not observed at significant frequency in large population cohorts (gnomAD); In silico analysis supports a deleterious effect on splicing; Has not been previously published as pathogenic or benign to our knowledge

NM_001145809.2(MYH14):c.562+5G>T

Gene: MYH14 (myosin heavy chain 14; plus strand). Cytogenetic location: 19q13.33.
Variant type: single nucleotide variant.
Coding change: c.562+5G>T on transcript NM_001145809.2 (MANE Select); 5 bases into the intron after coding-DNA position 562, G replaced by T.
Molecular consequence: intron variant.
Genome position (GRCh38, 1-based): chr19:50,217,776, G>T. VCF-style: chr19-50217776-G-T. GRCh37 (hg19) VCF-style: chr19-50721033-G-T.
Other names: c.562+5G>T (NM_001077186.2, NM_024729.4).
Identifiers: ClinVar variation 4056985 (VCV004056985.1).